The following is an entry in ClinVar:

ClinVar aggregate classification (germline): Uncertain significance (0 of 4 stars; one submission).

Conditions:
ABCC8-related disorder.

Submission:

PreventionGenetics, part of Exact Sciences
Classification: Uncertain significance for ABCC8-related condition. Last evaluated: 2024-09-13. Review status: no assertion criteria provided. Collection method: clinical testing. Allele origin: germline.
Comment: The ABCC8 c.4180A>T variant is predicted to result in the amino acid substitution p.Met1394Leu. To our knowledge, this variant has not been reported in the literature or in a large population database, indicating this variant is rare. A different missense variant affecting this residue has been reported in a patient with congenital hyperinsulinism (p.Met1394Arg; Faletra et al. 2013. PubMed ID: 23266803). At this time, the clinical significance of the c.4180A>T variant is uncertain due to the absence of conclusive functional and genetic evidence.

NM_000352.6(ABCC8):c.4180A>T (p.Met1394Leu)

Gene: ABCC8 (ATP binding cassette subfamily C member 8; minus strand). Cytogenetic location: 11p15.1.
Variant type: single nucleotide variant.
Coding change: c.4180A>T on transcript NM_000352.6 (MANE Select); coding-DNA position 4180, A replaced by T.
Protein change: p.Met1394Leu; replaces methionine 1394 with leucine.
Molecular consequence: missense variant. On other transcripts: non-coding transcript variant (1).
Genome position (GRCh38, 1-based): chr11:17,395,870, T>A on the plus strand (A>T on the coding strand, the complement: ABCC8 is on the minus strand). VCF-style: chr11-17395870-T-A. GRCh37 (hg19) VCF-style: chr11-17417417-T-A.
Other names: c.4183A>T, p.Met1395Leu (NM_001287174.3); c.4246A>T, p.Met1416Leu (NM_001351295.2); c.4180A>T, p.Met1394Leu (NM_001351296.2); c.4177A>T, p.Met1393Leu (NM_001351297.2); short protein forms M1393L, M1394L, M1395L, M1416L.
Identifiers: ClinVar variation 3347627 (VCV003347627.1).